The following is an entry in ClinVar:

ClinVar aggregate classification (germline): Pathogenic (1 of 4 stars; one submission).

Conditions:
Neurofibromatosis, type 2 (SWNV). Also called: BILATERAL ACOUSTIC NEUROFIBROMATOSIS; SCHWANNOMATOSIS, VESTIBULAR; NF2-Related Schwannomatosis. Identifiers: Orphanet 637, MedGen C0027832, MONDO:0007039, OMIM 101000. Disease mechanism: loss of function.

Submission:

Labcorp Genetics (formerly Invitae), Labcorp
Classification: Pathogenic for Neurofibromatosis, type 2. Last evaluated: 2021-07-08. Review status: criteria provided, single submitter. Criteria: Invitae Variant Classification Sherloc (09022015). Collection method: clinical testing. Allele origin: germline.
Comment: This variant has not been reported in the literature in individuals affected with NF2-related conditions. This sequence change creates a premature translational stop signal (p.Ser497Thrfs*18) in the NF2 gene. It is expected to result in an absent or disrupted protein product. Loss-of-function variants in NF2 are known to be pathogenic (PMID: 9643284, 16983642). This variant is not present in population databases (ExAC no frequency). For these reasons, this variant has been classified as Pathogenic.

Literature cited by the submitters: PubMed 9643284; PubMed 16983642.

NM_000268.4(NF2):c.1490del (p.Ser497fs)

Gene: NF2 (NF2, moesin-ezrin-radixin like (MERLIN) tumor suppressor; plus strand). Cytogenetic location: 22q12.2.
Variant type: Deletion.
Coding change: c.1490del on transcript NM_000268.4 (MANE Select); coding-DNA position 1490, one base deleted (G; older notation c.1490delG).
Protein change: p.Ser497fs; shifts the reading frame from serine 497.
Molecular consequence: frameshift variant. On other transcripts: non-coding transcript variant (1), intron variant (1).
Genome position (GRCh38, 1-based): chr22:29,678,239, G deleted. VCF-style (leftmost placement, unchanged base first): chr22-29678238-AG-A. GRCh37 (hg19) VCF-style: chr22-30074227-AG-A.
Other names: c.1490del, p.Ser497fs (NM_016418.5, NM_181825.3, NM_181832.3); c.1364del, p.Ser455fs (NM_181828.3); c.1367del, p.Ser456fs (NM_181829.3); c.1241del, p.Ser414fs (NM_181830.3, NM_181831.3); c.448-16513del (NM_181833.3); short protein forms S414fs, S455fs, S456fs, S497fs.
Identifiers: ClinVar variation 1422073 (VCV001422073.6), dbSNP rs2147108214, ClinGen allele CA2573157884.